The following is an entry in ClinVar:

ClinVar aggregate classification (germline): Likely benign (0 of 4 stars; one submission).

Conditions:
TBC1D8B-related disorder. Also called: TBC1D8B-related condition.

Submission:

PreventionGenetics, part of Exact Sciences
Classification: Likely benign for TBC1D8B-related condition. Last evaluated: 2022-07-21. Review status: no assertion criteria provided. Collection method: clinical testing. Allele origin: germline.
Comment: This variant is classified as likely benign based on ACMG/AMP sequence variant interpretation guidelines (Richards et al. 2015 PMID: 25741868, with internal and published modifications).

NM_017752.3(TBC1D8B):c.1838-787_1838-783del

Gene: TBC1D8B (TBC1 domain family member 8B; plus strand). Cytogenetic location: Xq22.3.
Variant type: Deletion.
Coding change: c.1838-787_1838-783del on transcript NM_017752.3 (MANE Select); 787 bases into the intron before coding-DNA position 1838 through 783 bases into the intron before coding-DNA position 1838, 5 bases deleted (TTTTT; older notation c.1838-787_1838-783delTTTTT).
Molecular consequence: intron variant.
Genome position (GRCh38, 1-based): chrX:106,849,238-106,849,242, TTTTT deleted; deleting any 5 consecutive bases within chrX:106,849,221-106,849,242 gives the same sequence; the c. name uses the placement nearest the transcript's 3' end. VCF-style (leftmost placement, unchanged base first): chrX-106849220-ATTTTT-A. GRCh37 (hg19) VCF-style: chrX-106092450-ATTTTT-A.
Other names: c.1838-7_1838-3del (NM_198881.2).
Identifiers: ClinVar variation 3049600 (VCV003049600.2), dbSNP rs761948032, ClinGen allele CA1136108986.